The following is an entry in ClinVar:

ClinVar aggregate classification (germline): Uncertain significance (1 of 4 stars; one submission).

Submission:

Labcorp Genetics (formerly Invitae), Labcorp
Classification: Uncertain significance. Last evaluated: 2024-09-23. Review status: criteria provided, single submitter. Criteria: Invitae Variant Classification Sherloc (09022015). Collection method: clinical testing. Allele origin: germline.
Comment: This sequence change replaces aspartic acid, which is acidic and polar, with histidine, which is basic and polar, at codon 272 of the TERF2IP protein (p.Asp272His). This variant is not present in population databases (gnomAD no frequency). This variant has not been reported in the literature in individuals affected with TERF2IP-related conditions. An algorithm developed to predict the effect of missense changes on protein structure and function (PolyPhen-2) suggests that this variant is likely to be tolerated. In summary, the available evidence is currently insufficient to determine the role of this variant in disease. Therefore, it has been classified as a Variant of Uncertain Significance.

NM_018975.4(TERF2IP):c.814G>C (p.Asp272His)

Gene: TERF2IP (TERF2 interacting protein; plus strand). Cytogenetic location: 16q23.1.
Variant type: single nucleotide variant.
Coding change: c.814G>C on transcript NM_018975.4 (MANE Select); coding-DNA position 814, G replaced by C.
Protein change: p.Asp272His; replaces aspartic acid 272 with histidine.
Molecular consequence: missense variant. On other transcripts: non-coding transcript variant (1).
Genome position (GRCh38, 1-based): chr16:75,656,225, G>C. VCF-style: chr16-75656225-G-C. GRCh37 (hg19) VCF-style: chr16-75690123-G-C.
Other names: short protein forms D272H.
Identifiers: ClinVar variation 3721425 (VCV003721425.2).